The following is an entry in ClinVar:

NM_000318.3(PEX2):c.795T>C (p.Tyr265=)

Gene: PEX2 (peroxisomal biogenesis factor 2; minus strand). Cytogenetic location: 8q21.13.
Variant type: single nucleotide variant.
Coding change: c.795T>C on transcript NM_000318.3 (MANE Select); coding-DNA position 795, T replaced by C.
Protein change: p.Tyr265=; no amino-acid change (tyrosine 265 retained).
Molecular consequence: synonymous variant.
Genome position (GRCh38, 1-based): chr8:76,983,384, A>G on the plus strand (T>C on the coding strand, the complement: PEX2 is on the minus strand). VCF-style: chr8-76983384-A-G. GRCh37 (hg19) VCF-style: chr8-77895620-A-G.
Other names: c.795T>C, p.Tyr265= (NM_001079867.2, NM_001172086.2, NM_001172087.2).
Identifiers: ClinVar variation 290944 (VCV000290944.18), dbSNP rs764785488, ClinGen allele CA4788653.

ClinVar aggregate classification (germline): Conflicting classifications of pathogenicity. Review status: criteria provided, conflicting classifications (1 of 4 stars). 5 submissions from 5 submitters: Uncertain significance (1); Likely benign (3). 1 of the submissions does not count toward it. Last evaluated 2025-10-15.

Conditions:
Zellweger spectrum disorders (ZS). Also called: Zellweger syndrome; Zellweger Spectrum Disorder (ZSD); Zellweger Spectrum Disorder; Zellweger Spectrum. Identifiers: Orphanet 912, MedGen C0043459, MONDO:0019609.
Peroxisome biogenesis disorder 5A (Zellweger) (PBD5A). Identifiers: Orphanet 912, MedGen C3553940, MONDO:0013932, OMIM 614866.
PEX2-related disorder. Also called: PEX2-related condition.

Allele frequency attached by ClinVar (database versions not stated): gnomAD 0.00002; ExAC 0.00003; TOPMed 0.00005; gnomAD exomes 0.00008.
gnomAD v4.1: 28 of 1,614,012 alleles (0.0017%); highest among the groups gnomAD compares: Admixed American, 0.03%; no homozygotes.

Submissions (5):

Labcorp Genetics (formerly Invitae), Labcorp
Classification: Likely benign for Peroxisome biogenesis disorder 5A (Zellweger). Last evaluated: 2025-10-15. Review status: criteria provided, single submitter. Criteria: Invitae Variant Classification Sherloc (09022015). Collection method: clinical testing. Allele origin: germline.

PreventionGenetics, part of Exact Sciences
Classification: Likely benign for PEX2-related condition. Last evaluated: 2025-04-14. Review status: criteria provided, single submitter. Criteria: ACMG Guidelines, 2015. Collection method: clinical testing. Allele origin: germline.
Comment: This variant is classified as likely benign based on ACMG/AMP sequence variant interpretation guidelines (Richards et al. 2015 PMID: 25741868, with internal and published modifications).

Blueprint Genetics
Classification: Likely benign. Last evaluated: 2018-09-21. Review status: criteria provided, single submitter. Criteria: ACMG Guidelines, 2015. Collection method: clinical testing. Allele origin: germline.

Eurofins Ntd Llc (ga)
Classification: Uncertain significance. Last evaluated: 2017-09-29. Review status: criteria provided, single submitter. Criteria: EGL Classification Definitions 2015. Collection method: clinical testing. Allele origin: germline. Observed: 2 variant alleles, 2 heterozygotes.

Natera, Inc.
Classification: Likely benign for Zellweger syndrome. Last evaluated: 2020-09-16. Review status: no assertion criteria provided. Collection method: clinical testing. Allele origin: germline. Not counted in ClinVar's aggregate classification.